The following is an entry in ClinVar:

NM_004525.3(LRP2):c.12641G>A (p.Trp4214Ter)

Gene: LRP2 (LDL receptor related protein 2; minus strand). Cytogenetic location: 2q31.1.
Variant type: single nucleotide variant.
Coding change: c.12641G>A on transcript NM_004525.3 (MANE Select); coding-DNA position 12641, G replaced by A.
Protein change: p.Trp4214Ter; replaces tryptophan 4214 with a stop codon.
Molecular consequence: nonsense.
Genome position (GRCh38, 1-based): chr2:169,146,909, C>T on the plus strand (G>A on the coding strand, the complement: LRP2 is on the minus strand). VCF-style: chr2-169146909-C-T. GRCh37 (hg19) VCF-style: chr2-170003419-C-T.
Other names: short protein forms W4214*.
Identifiers: ClinVar variation 2853731 (VCV002853731.3), dbSNP rs2545663742, ClinGen allele CA349130269.
Genomic context (GRCh38, chr2:169,146,909, plus strand): 5'-AGGCCAGTTGGCCAACCAAGGTCCTCGAAAACCAGGATGTTGCGGTCCTCTCCATTCATC[C>T]AGGCAGACTCGATTTTAGGTTCCTTTCCCCAGTCAGTCCAGAACATAAGCCTATAACAGA-3'

ClinVar aggregate classification (germline): Pathogenic (1 of 4 stars; one submission).

Submission:

Labcorp Genetics (formerly Invitae), Labcorp
Classification: Pathogenic. Last evaluated: 2023-04-08. Review status: criteria provided, single submitter. Criteria: Invitae Variant Classification Sherloc (09022015). Collection method: clinical testing. Allele origin: germline.
Comment: This sequence change creates a premature translational stop signal (p.Trp4214*) in the LRP2 gene. It is expected to result in an absent or disrupted protein product. Loss-of-function variants in LRP2 are known to be pathogenic (PMID: 17632512, 25682901). This variant is not present in population databases (gnomAD no frequency). This variant has not been reported in the literature in individuals affected with LRP2-related conditions. For these reasons, this variant has been classified as Pathogenic.

Literature cited by the submitters: PubMed 17632512; PubMed 25682901.